The following is an entry in ClinVar:

ClinVar aggregate classification (germline): Benign (1 of 4 stars; one submission).

Allele frequency attached by ClinVar (database versions not stated): 1000 Genomes Project 0.00020; 1000 Genomes Project 30x 0.00047; TOPMed 0.00114; gnomAD 0.00121.
gnomAD v4.1: 183 of 152,282 alleles (0.12%); highest among the groups gnomAD compares: Non-Finnish European, 0.22%; 2 homozygotes.

Submission:

CeGaT Center for Human Genetics Tuebingen
Classification: Benign. Last evaluated: 2022-03-01. Review status: criteria provided, single submitter. Criteria: CeGaT Center For Human Genetics Tuebingen Variant Classification Criteria Version 2. Collection method: clinical testing. Allele origin: germline. Affected: yes. Observed: 1 variant allele.
Comment: BRD4: BS1, BS2

NM_001379291.1(BRD4):c.2158+2377G>A

Gene: BRD4 (bromodomain containing 4; minus strand). Cytogenetic location: 19p13.12.
Variant type: single nucleotide variant.
Coding change: c.2158+2377G>A on transcript NM_001379291.1 (MANE Select); 2377 bases into the intron after coding-DNA position 2158, G replaced by A.
Molecular consequence: intron variant.
Genome position (GRCh38, 1-based): chr19:15,251,775, C>T on the plus strand (G>A on the coding strand, the complement: BRD4 is on the minus strand). VCF-style: chr19-15251775-C-T. GRCh37 (hg19) VCF-style: chr19-15362586-C-T.
Other names: c.2158+2377G>A (NM_058243.3, NM_001379292.1, NM_014299.3).
Identifiers: ClinVar variation 2649477 (VCV002649477.24), dbSNP rs536960043, ClinGen allele CA305797733.